The following is an entry in ClinVar:

NM_020738.4(KIDINS220):c.331G>A (p.Ala111Thr)

Gene: KIDINS220 (kinase D interacting substrate 220; minus strand). Cytogenetic location: 2p25.1.
Variant type: single nucleotide variant.
Coding change: c.331G>A on transcript NM_020738.4 (MANE Select); coding-DNA position 331, G replaced by A.
Protein change: p.Ala111Thr; replaces alanine 111 with threonine.
Molecular consequence: missense variant. On other transcripts: non-coding transcript variant (2).
Genome position (GRCh38, 1-based): chr2:8,813,311, C>T on the plus strand (G>A on the coding strand, the complement: KIDINS220 is on the minus strand). VCF-style: chr2-8813311-C-T. GRCh37 (hg19) VCF-style: chr2-8953441-C-T.
Other names: c.331G>A, p.Ala111Thr (NM_001348729.2, NM_001348731.2, NM_001348732.2 and 9 more transcripts); c.205G>A, p.Ala69Thr (NM_001348736.2); short protein forms A111T, A69T.
Identifiers: ClinVar variation 1314369 (VCV001314369.2), dbSNP rs2148377490, ClinGen allele CA345774477.

ClinVar aggregate classification (germline): Uncertain significance (1 of 4 stars; one submission).

gnomAD v4.1: 1 of 1,612,518 alleles (0.000062%); highest among the groups gnomAD compares: Non-Finnish European, 0.000085%; no homozygotes.

Submission:

GeneDx
Classification: Uncertain significance. Last evaluated: 2021-04-06. Review status: criteria provided, single submitter. Criteria: GeneDx Variant Classification Process June 2021. Collection method: clinical testing. Allele origin: germline. Affected: yes.
Comment: Not observed in large population cohorts (Lek et al., 2016); In silico analysis supports that this missense variant has a deleterious effect on protein structure/function; Has not been previously published as pathogenic or benign to our knowledge